The following is an entry in ClinVar:

ClinVar aggregate classification (germline): Likely benign. Review status: criteria provided, multiple submitters, no conflicts (2 of 4 stars). 6 submissions from 6 submitters: Likely benign (6). Last evaluated 2025-12-23.

Conditions:
Charcot-Marie-Tooth disease. Also called: Charcot-Marie-Tooth Hereditary Neuropathy; Charcot-Marie-Tooth Neuropathy. Identifiers: Orphanet 166, MedGen C0007959, MONDO:0015626.
Charcot-Marie-Tooth disease type 4. Also called: Charcot-Marie-Tooth, Type 4; Charcot-Marie-Tooth disease, type IV. Identifiers: Orphanet 64749, MedGen C4082197, MONDO:0018995.
Inborn genetic diseases. Identifiers: MedGen C0950123, MeSH D030342.

Allele frequency attached by ClinVar (database versions not stated): ExAC 0.00001; gnomAD exomes 0.00002 and 0.00011; TOPMed 0.00003; gnomAD 0.00005.
gnomAD v4.1: 161 of 1,613,470 alleles (0.01%); highest among the groups gnomAD compares: Non-Finnish European, 0.013%; no homozygotes.

Submissions (6):

Women's Health and Genetics/Laboratory Corporation of America, LabCorp
Classification: Likely benign. Last evaluated: 2025-12-23. Review status: criteria provided, single submitter. Criteria: LabCorp Variant Classification Summary - May 2015. Collection method: clinical testing. Allele origin: germline.

Labcorp Genetics (formerly Invitae), Labcorp
Classification: Likely benign for Charcot-Marie-Tooth disease type 4. Last evaluated: 2025-11-05. Review status: criteria provided, single submitter. Criteria: Invitae Variant Classification Sherloc (09022015). Collection method: clinical testing. Allele origin: germline.

Mayo Clinic Laboratories, Mayo Clinic
Classification: Likely benign. Last evaluated: 2025-06-26. Review status: criteria provided, single submitter. Criteria: ACMG Guidelines, 2015. Collection method: clinical testing. Allele origin: germline. Observed: 1 variant allele.
Comment: BP4, BP7

ARUP Laboratories, Molecular Genetics and Genomics, ARUP Laboratories
Classification: Likely benign. Last evaluated: 2023-11-03. Review status: criteria provided, single submitter. Criteria: ARUP Molecular Germline Variant Investigation Process 2024. Collection method: clinical testing. Allele origin: germline.

Ambry Genetics
Classification: Likely benign for Inborn genetic diseases. Last evaluated: 2023-08-29. Review status: criteria provided, single submitter. Criteria: Ambry Variant Classification Scheme 2023. Collection method: clinical testing. Allele origin: germline.

Molecular Genetics Laboratory, London Health Sciences Centre
Classification: Likely benign for Charcot-Marie-Tooth disease. Review status: criteria provided, single submitter. Criteria: ACMG Guidelines, 2015. Collection method: clinical testing. Allele origin: germline. Affected: yes.

NM_014845.6(FIG4):c.1341T>C (p.Phe447=)

Gene: FIG4 (FIG4 phosphoinositide 5-phosphatase; plus strand). Cytogenetic location: 6q21.
Variant type: single nucleotide variant.
Coding change: c.1341T>C on transcript NM_014845.6 (MANE Select); coding-DNA position 1341, T replaced by C.
Protein change: p.Phe447=; no amino-acid change (phenylalanine 447 retained).
Molecular consequence: synonymous variant.
Genome position (GRCh38, 1-based): chr6:109,762,160, T>C. VCF-style: chr6-109762160-T-C. GRCh37 (hg19) VCF-style: chr6-110083363-T-C.
Other names: p.Phe447=.
Identifiers: ClinVar variation 917074 (VCV000917074.14), dbSNP rs199651811, ClinGen allele CA3956041.
Genomic context (GRCh38, chr6:109,762,160, plus strand): 5'-TAATGTTCTTGATCGACTAAATGTGATTGCAGAAAGTGTGGTGAAGAAAACAGGTTTCTT[T>C]GTAAACCGCCCTGATTCTTACTGTAGCATTTTGCGGCCAGATGAAAAGTATGTATGGTAT-3'
Protein context (NP_055660.1, residues 437-457): AESVVKKTGF[Phe447=]VNRPDSYCSI